The following is an entry in ClinVar:

ClinVar aggregate classification (germline): Conflicting classifications of pathogenicity. Review status: criteria provided, conflicting classifications (1 of 4 stars). 3 submissions from 3 submitters: Uncertain significance (2); Likely benign (1). Last evaluated 2025-09-24.

Conditions:
JAG1-related disorder. Also called: JAG1-related disorders; JAG1-related condition.
Cardiovascular phenotype. Identifiers: MedGen CN230736.
Alagille syndrome due to a JAG1 point mutation. Also called: Alagille Syndrome 1; HEPATIC DUCTULAR HYPOPLASIA, SYNDROMATIC; JAG1-Related Alagille Syndrome. Identifiers: Orphanet 261619, Orphanet 52, MedGen C1956125, MONDO:0016862, OMIM 118450.

Allele frequency attached by ClinVar (database versions not stated): TOPMed below 0.00001; gnomAD 0.00001.

Submissions (3):

PreventionGenetics, part of Exact Sciences
Classification: Uncertain significance for JAG1-related condition. Last evaluated: 2025-09-24. Review status: criteria provided, single submitter. Criteria: ACMG Guidelines, 2015. Collection method: clinical testing. Allele origin: germline.
Comment: The JAG1 c.3083T>G variant is predicted to result in the amino acid substitution p.Ile1028Ser. To our knowledge, this variant has not been reported in the literature. This variant is reported in 0.0065% of alleles in individuals of European (Non-Finnish) descent in gnomAD. At this time, the clinical significance of this variant is uncertain due to the absence of conclusive functional and genetic evidence.

Ambry Genetics
Classification: Uncertain significance for Cardiovascular phenotype. Last evaluated: 2024-05-06. Review status: criteria provided, single submitter. Criteria: Ambry Variant Classification Scheme 2023. Collection method: clinical testing. Allele origin: germline.

Labcorp Genetics (formerly Invitae), Labcorp
Classification: Likely benign for Alagille syndrome due to a JAG1 point mutation. Last evaluated: 2022-08-31. Review status: criteria provided, single submitter. Criteria: Invitae Variant Classification Sherloc (09022015). Collection method: clinical testing. Allele origin: germline.

NM_000214.3(JAG1):c.3083T>G (p.Ile1028Ser)

Gene: JAG1 (jagged canonical Notch ligand 1; minus strand). Cytogenetic location: 20p12.2.
Variant type: single nucleotide variant.
Coding change: c.3083T>G on transcript NM_000214.3 (MANE Select); coding-DNA position 3083, T replaced by G.
Protein change: p.Ile1028Ser; replaces isoleucine 1028 with serine.
Molecular consequence: missense variant.
Genome position (GRCh38, 1-based): chr20:10,640,899, A>C on the plus strand (T>G on the coding strand, the complement: JAG1 is on the minus strand). VCF-style: chr20-10640899-A-C. GRCh37 (hg19) VCF-style: chr20-10621547-A-C.
Other names: c.3083T>G (NM_000214.2); short protein forms I1028S.
Identifiers: ClinVar variation 1360929 (VCV001360929.11), dbSNP rs761187116, ClinGen allele CA408244241.